The following is an entry in ClinVar:

NM_002905.5(RDH5):c.712G>T (p.Gly238Trp)

Genes: BLOC1S1-RDH5 (BLOC1S1-RDH5 readthrough; plus strand), CD63 (CD63 molecule; minus strand), RDH5 (retinol dehydrogenase 5; plus strand). Cytogenetic location: 12q13.2.
Variant type: single nucleotide variant.
Coding change: c.712G>T on transcript NM_002905.5 (MANE Select); coding-DNA position 712, G replaced by T.
Protein change: p.Gly238Trp; replaces glycine 238 with tryptophan.
Molecular consequence: missense variant. On other transcripts: non-coding transcript variant (1).
Genome position (GRCh38, 1-based): chr12:55,724,028, G>T. VCF-style: chr12-55724028-G-T. GRCh37 (hg19) VCF-style: chr12-56117812-G-T.
Other names: NP_002896.2:p.(Gly238Trp); c.712G>T, p.Gly238Trp (NM_001199771.3); short protein forms G238W.
Identifiers: ClinVar variation 8003 (VCV000008003.75), dbSNP rs62638191, ClinGen allele CA119196.

ClinVar aggregate classification (germline): Pathogenic/Likely pathogenic. Review status: criteria provided, multiple submitters, no conflicts (2 of 4 stars). 21 submissions from 21 submitters: Pathogenic (18); Likely pathogenic (1). 2 of the submissions do not count toward it. Last evaluated 2026-07-14.

Conditions:
RDH5-related disorder. Also called: RDH5-related condition.
Autosomal recessive RDH5-related disorders.
Congenital stationary night blindness. Also called: Early-onset non-progressive night blindness. Identifiers: Orphanet 215, MedGen C0339535, MONDO:0016293, HP:0007642.
Retinal dystrophy. Also called: Inherited retinal dystrophy. Identifiers: Orphanet 71862, MedGen C0854723, MeSH D058499, MONDO:0019118, HP:0000556.
Retinitis punctata albescens. Identifiers: Orphanet 52427, MedGen C1405854, MONDO:0018877.
Pigmentary retinal dystrophy. Also called: Fundus albipunctatus. Identifiers: Orphanet 227796, Orphanet 52427, MedGen C0311338, MONDO:0007639, OMIM 136880, HP:0030642.
Fundus albipunctatus, autosomal recessive. Identifiers: MedGen C4016746.

Allele frequency attached by ClinVar (database versions not stated): gnomAD 0.00018 and 0.00019; 1000 Genomes Project 0.00040; TOPMed 0.00025; 1000 Genomes Project 30x 0.00047.
gnomAD v4.1: 453 of 1,611,424 alleles (0.028%); highest among the groups gnomAD compares: Admixed American, 0.035%; no homozygotes.

Submissions 1 to 15 of 21:

PreventionGenetics, part of Exact Sciences
Classification: Pathogenic for RDH5-related condition. Last evaluated: 2026-07-14. Review status: criteria provided, single submitter. Criteria: ACMG Guidelines, 2015. Collection method: clinical testing. Allele origin: germline.
Comment: The RDH5 c.712G>T variant is predicted to result in the amino acid substitution p.Gly238Trp. This variant has been reported in the homozygous and compound heterozygous states in individuals with autosomal recessive fundus albipunctatus (Yamamoto et al. 1999. PubMed ID: 10369264; Gonzalez-Fernandez et al. 1999. PubMed ID: 10617778). This missense variant is predicted to be damaging to the encoded protein (REVEL score >0.773, Ioannidis et al. 2016. PubMed ID: 27666373); and functional studies have confirmed that the p.Gly238Trp substitution reduces enzyme activity by 90% (Yamamoto et al. 1999. PubMed ID: 10369264; Lidén et al. 2001. PubMed ID: 11675386). This variant is present in 0.045% of alleles in individuals of Latino descent in gnomAD. Given the evidence, we interpret this variant as pathogenic.

CeGaT Center for Human Genetics Tuebingen
Classification: Pathogenic. Last evaluated: 2026-06-01. Review status: criteria provided, single submitter. Criteria: CeGaT Center For Human Genetics Tuebingen Variant Classification Criteria Version 2. Collection method: clinical testing. Allele origin: germline. Affected: yes. Observed: 3 variant alleles.
Comment: RDH5: PM3:Very Strong, PM2, PP4, PS3:Supporting

Dasa
Classification: Pathogenic. Last evaluated: 2026-02-24. Review status: criteria provided, single submitter. Criteria: DASA Assertion Criteria. Collection method: clinical testing. Allele origin: germline.
Comment: NM_002905.5(RDH5):c.712G>T (p.Gly238Trp) is a missense variant that results in the substitution of glycine with tryptophan. Functional evidence supports a deleterious effect on the gene or gene product (PMID: 10369264; PMID: 11675386; PMID: 10617778; PMID: 31456290; PMID: 32141364). This variant has been recurrently observed in individuals with related phenotype (PMID: 10369264; PMID: 11675386; PMID: 10617778; PMID: 31456290; PMID: 32141364). Segregation evidence has been reported in affected families. Multiple computational predictions support a deleterious effect on the gene or gene product. The variant is present at low frequency in population datasets. Based on the available data, this variant is classified as pathogenic.

Labcorp Genetics (formerly Invitae), Labcorp
Classification: Pathogenic. Last evaluated: 2025-12-30. Review status: criteria provided, single submitter. Criteria: Invitae Variant Classification Sherloc (09022015). Collection method: clinical testing. Allele origin: germline.
Comment: This sequence change replaces glycine, which is neutral and non-polar, with tryptophan, which is neutral and slightly polar, at codon 238 of the RDH5 protein (p.Gly238Trp). This variant is present in population databases (rs62638191, gnomAD 0.05%). This missense change has been observed in individuals with fundus albipunctatus (PMID: 10369264, 10617778). It has also been observed to segregate with disease in related individuals. ClinVar contains an entry for this variant (Variation ID: 8003). Invitae Evidence Modeling of protein sequence and biophysical properties (such as structural, functional, and spatial information, amino acid conservation, physicochemical variation, residue mobility, and thermodynamic stability) has been performed for this missense variant. However, the output from this modeling did not meet the statistical confidence thresholds required to predict the impact of this variant on RDH5 protein function. Experimental studies have shown that this missense change affects RDH5 function (PMID: 11675386). For these reasons, this variant has been classified as Pathogenic.

Variantyx, Inc.
Classification: Pathogenic for Autosomal recessive RDH5-related disorders. Last evaluated: 2025-06-03. Review status: criteria provided, single submitter. Criteria: Variantyx Assertion Criteria 2022. Collection method: clinical testing. Allele origin: germline. Inheritance: Autosomal dominant inheritance. Affected: no.
Comment: This is a nonsynonymous variant in the RDH5 gene (OMIM: 601617). Pathogenic variants in this gene have been associated with autosomal recessive RDH5-related disorders. This variant has been identified in the homozygous or compound heterozygous state in at least 6 individual(s) reported in the published literature (PMID: 20829743, 10369264, 10617778, 17476461, 18949499) (PM3). Functional studies have shown that this variant alters RDH5 protein function (PMID: 11675386, 10369264, 17476461) (PS3). Multiple computational algorithms predict a deleterious effect for this variant (REVEL score: 0.924) (PP3). This variant has a 0.0350% maximum allele frequency in non-founder control populations (PM2). Based on the current evidence, this variant is classified as pathogenic for autosomal recessive RDH5-related disorders.No other variant of clinical significance was identified in the RDH5 gene. A single pathogenic variant in a gene associated with autosomal recessive disease is generally insufficient to cause disease. Therefore, this finding likely represents carrier status.

Blueprint Genetics
Classification: Pathogenic for RDH5-related disorders. Last evaluated: 2024-10-21. Review status: criteria provided, single submitter. Criteria: ACMG Guidelines, 2015. Collection method: clinical testing. Allele origin: germline. Affected: yes. Observed: 5 variant alleles.

Fulgent Genetics
Classification: Pathogenic for Pigmentary retinal dystrophy. Last evaluated: 2024-06-13. Review status: criteria provided, single submitter. Criteria: ACMG Guidelines, 2015. Collection method: clinical testing. Allele origin: germline.

Clinical Genetics and Genomics, Karolinska University Hospital
Classification: Pathogenic for Pigmentary retinal dystrophy. Last evaluated: 2024-05-02. Review status: criteria provided, single submitter. Criteria: ACMG Guidelines, 2015. Collection method: clinical testing. Allele origin: germline. Inheritance: Autosomal recessive inheritance. Affected: yes.

Revvity Omics, Revvity
Classification: Pathogenic for Pigmentary retinal dystrophy. Last evaluated: 2023-09-18. Review status: criteria provided, single submitter. Criteria: ACMG Guidelines, 2015. Collection method: clinical testing. Allele origin: germline.

Ophthalmic Genetics Group, Institute of Molecular and Clinical Ophthalmology Basel
Classification: Pathogenic for Congenital stationary night blindness. Last evaluated: 2023-07-24. Review status: criteria provided, single submitter. Criteria: ACMG Guidelines, 2015. Collection method: research. Allele origin: germline. Affected: yes. Observed: 1 variant allele.
Comment: Clinical significance based on ACMG v2.0

This variant was classified as Pathogenic based on ACMG criteria: PP5, PP3, PM2.

Department of Pathology and Laboratory Medicine, Sinai Health System
Classification: Pathogenic for Retinitis punctata albescens. Last evaluated: 2023-05-23. Review status: criteria provided, single submitter. Criteria: ACMG Guidelines, 2015. Collection method: research. Allele origin: germline.

3billion
Classification: Pathogenic for Pigmentary retinal dystrophy. Last evaluated: 2022-05-22. Review status: criteria provided, single submitter. Criteria: ACMG Guidelines, 2015. Collection method: clinical testing. Allele origin: germline. Affected: yes. Observed: 1 homozygote.
Comment: The variant is observed at an extremely low frequency in the gnomAD v2.1.1 dataset (total allele frequency: 0.021%). Functional studies provide strong evidence of the variant having a damaging effect on the gene or gene product (PMID:11675386). In silico tool predictions suggest damaging effect of the variant on gene or gene product (REVEL: 0.92; 3Cnet: 0.72). Same nucleotide change resulting in same amino acid change has been previously reported as pathogenic/likely pathogenic with strong evidence (ClinVar ID: VCV000008003). The variant has been reported to co-segregate with the disease in at least one similarly affected relative/individual in the same family or similarly affected unrelated family (PMID:10369264, 10617778). Therefore, this variant is classified as pathogenic according to the recommendation of ACMG/AMP guideline.

Institute of Human Genetics, Univ. Regensburg, Univ. Regensburg
Classification: Pathogenic for Retinal dystrophy. Last evaluated: 2021-01-01. Review status: criteria provided, single submitter. Criteria: ACMG Guidelines, 2015. Collection method: clinical testing. Allele origin: germline. Affected: yes.

Laboratorio de Genetica e Diagnostico Molecular, Hospital Israelita Albert Einstein
Classification: Likely pathogenic. Last evaluated: 2020-07-15. Review status: criteria provided, single submitter. Criteria: ACMG Guidelines, 2015. Collection method: clinical testing. Allele origin: germline. Affected: yes.
Comment: ACMG classification criteria: PS3, PS4, PM2, PP1

Mendelics
Classification: Pathogenic for Pigmentary retinal dystrophy. Last evaluated: 2019-05-28. Review status: criteria provided, single submitter. Criteria: Mendelics Assertion Criteria 2017. Collection method: clinical testing. Allele origin: unknown.